The following is an entry in ClinVar:

NM_001165963.4(SCN1A):c.5599A>G (p.Ile1867Val)

Genes: SCN1A (sodium voltage-gated channel alpha subunit 1; minus strand), LOC102724058 (uncharacterized LOC102724058; plus strand). Cytogenetic location: 2q24.3.
Variant type: single nucleotide variant.
Coding change: c.5599A>G on transcript NM_001165963.4 (MANE Select); coding-DNA position 5599, A replaced by G.
Protein change: p.Ile1867Val; replaces isoleucine 1867 with valine.
Molecular consequence: missense variant. On other transcripts: non-coding transcript variant (1).
Genome position (GRCh38, 1-based): chr2:165,991,676, T>C on the plus strand (A>G on the coding strand, the complement: SCN1A is on the minus strand). VCF-style: chr2-165991676-T-C. GRCh37 (hg19) VCF-style: chr2-166848186-T-C.
Other names: c.3157A>G, p.Ile1053Val (NM_001353961.2); c.5566A>G, p.Ile1856Val (NM_006920.6, NM_001353949.2, NM_001353950.2 and 2 more transcripts); c.5515A>G, p.Ile1839Val (NM_001165964.3, NM_001353957.2, NM_001353958.2); c.5599A>G, p.Ile1867Val (NM_001202435.3, NM_001353948.2); c.5563A>G, p.Ile1855Val (NM_001353954.2, NM_001353955.2); c.5512A>G, p.Ile1838Val (NM_001353960.2); short protein forms I1839V, I1867V, I1855V, I1053V, I1838V, I1856V.
Identifiers: ClinVar variation 2812169 (VCV002812169.3), dbSNP rs2468329346, ClinGen allele CA349065256.

ClinVar aggregate classification (germline): Uncertain significance (1 of 4 stars; one submission).

Conditions:
Early-infantile DEE. Also called: Early infantile epileptic encephalopathy; Early infantile epileptic encephalopathy with suppression bursts; Ohtahara syndrome. Identifiers: Orphanet 1934, MedGen C0393706, MONDO:0800491.

Submission:

Labcorp Genetics (formerly Invitae), Labcorp
Classification: Uncertain significance for Early-infantile DEE. Last evaluated: 2025-04-06. Review status: criteria provided, single submitter. Criteria: Invitae Variant Classification Sherloc (09022015). Collection method: clinical testing. Allele origin: germline.
Comment: This sequence change replaces isoleucine, which is neutral and non-polar, with valine, which is neutral and non-polar, at codon 1867 of the SCN1A protein (p.Ile1867Val). This variant is not present in population databases (gnomAD no frequency). This variant has not been reported in the literature in individuals affected with SCN1A-related conditions. ClinVar contains an entry for this variant (Variation ID: 2812169). Invitae Evidence Modeling of protein sequence and biophysical properties (such as structural, functional, and spatial information, amino acid conservation, physicochemical variation, residue mobility, and thermodynamic stability) has been performed for this missense variant. However, the output from this modeling did not meet the statistical confidence thresholds required to predict the impact of this variant on SCN1A protein function. This variant disrupts the p.Ile1867 amino acid residue in SCN1A. Other variant(s) that disrupt this residue have been determined to be pathogenic (PMID: 18251839, 21248271). This suggests that this residue is clinically significant, and that variants that disrupt this residue are likely to be disease-causing. In summary, the available evidence is currently insufficient to determine the role of this variant in disease. Therefore, it has been classified as a Variant of Uncertain Significance.

Literature cited by the submitters: PubMed 18251839; PubMed 21248271.